The following is an entry in ClinVar:

NM_018979.4(WNK1):c.7121C>T (p.Pro2374Leu)

Gene: WNK1 (WNK lysine deficient protein kinase 1; plus strand). Cytogenetic location: 12p13.33.
Variant type: single nucleotide variant.
Coding change: c.7121C>T on transcript NM_018979.4 (MANE Select); coding-DNA position 7121, C replaced by T.
Protein change: p.Pro2374Leu; replaces proline 2374 with leucine.
Molecular consequence: missense variant.
Genome position (GRCh38, 1-based): chr12:908,764, C>T. VCF-style: chr12-908764-C-T. GRCh37 (hg19) VCF-style: chr12-1017930-C-T.
Other names: c.7901C>T, p.Pro2634Leu (NM_001184985.2); c.6377C>T, p.Pro2126Leu (NM_014823.3); c.7877C>T, p.Pro2626Leu (NM_213655.5); short protein forms P2374L, P2626L, P2634L, P2126L.
Identifiers: ClinVar variation 538523 (VCV000538523.8), dbSNP rs1555164537, ClinGen allele CA383341585.

ClinVar aggregate classification (germline): Uncertain significance (1 of 4 stars; one submission).

Conditions:
Neuropathy, hereditary sensory and autonomic, type 2A (HSAN2A). Also called: HSAN IIA; WNK1-Related HSAN2 (HSAN2A); MORVAN DISEASE; NEUROPATHY, CONGENITAL SENSORY; NEUROPATHY, HEREDITARY SENSORY RADICULAR, AUTOSOMAL RECESSIVE; NEUROPATHY, HEREDITARY SENSORY, TYPE IIA. Identifiers: Orphanet 970, MedGen C2752089, MONDO:0024309, OMIM 201300.
Pseudohypoaldosteronism type 2C (PHA2C). Also called: Pseudohypoaldosteronism Type IIC. Identifiers: Orphanet 757, Orphanet 88940, MedGen C1840391, MONDO:0013778, OMIM 614492.

Submission:

Labcorp Genetics (formerly Invitae), Labcorp
Classification: Uncertain significance for Neuropathy, hereditary sensory and autonomic, type 2A; Pseudohypoaldosteronism type 2C. Last evaluated: 2017-09-12. Review status: criteria provided, single submitter. Criteria: Invitae Variant Classification Sherloc (09022015). Collection method: clinical testing. Allele origin: germline.
Comment: In summary, the available evidence is currently insufficient to determine the role of this variant in disease. Therefore, it has been classified as a Variant of Uncertain Significance. This sequence change replaces proline with leucine at codon 2374 of the WNK1 protein (p.Pro2374Leu). The proline residue is highly conserved and there is a moderate physicochemical difference between proline and leucine. This variant is not present in population databases (ExAC no frequency). This variant has not been reported in the literature in individuals with WNK1-related disease. Algorithms developed to predict the effect of missense changes on protein structure and function (SIFT, PolyPhen-2, Align-GVGD) all suggest that this variant is likely to be disruptive, but these predictions have not been confirmed by published functional studies and their clinical significance is uncertain.